The following is an entry in ClinVar:

NM_001114753.3(ENG):c.1509del (p.Val504fs)

Genes: ENG (endoglin; minus strand), LOC102723566 (uncharacterized LOC102723566; plus strand). Cytogenetic location: 9q34.11.
Variant type: Deletion.
Coding change: c.1509del on transcript NM_001114753.3 (MANE Select); coding-DNA position 1509, one base deleted (C; older notation c.1509delC).
Protein change: p.Val504fs; shifts the reading frame from valine 504.
Molecular consequence: frameshift variant.
Genome position (GRCh38, 1-based): chr9:127,818,297, G deleted on the plus strand (C on the coding strand, the reverse complement: ENG is on the minus strand); the first of 2 consecutive G bases (chr9:127,818,297-127,818,298); deleting either gives the same sequence. VCF-style (leftmost placement, unchanged base first): chr9-127818296-CG-C. GRCh37 (hg19) VCF-style: chr9-130580575-CG-C.
Other names: c.1509delC (NM_000118.3); c.1508delC, p.Val504Trpfs (NM_000118.4); c.963del, p.Val322fs (NM_001278138.2); c.1509del (NM_000118.2); short protein forms V504fs, V322fs.
Identifiers: ClinVar variation 565615 (VCV000565615.17), dbSNP rs1564452685, ClinGen allele CA891842554.

ClinVar aggregate classification (germline): Pathogenic. Review status: criteria provided, multiple submitters, no conflicts (2 of 4 stars). 3 submissions from 3 submitters: Pathogenic (3). Last evaluated 2025-11-10.

Conditions:
Hereditary hemorrhagic telangiectasia (HHT). Also called: Osler hemorrhagic telangiectasia syndrome; ORW DISEASE; Osler Weber Rendu syndrome; OSLER-RENDU-WEBER DISEASE. Identifiers: Orphanet 774, MedGen C0039445, MONDO:0019180. Disease mechanism: loss of function.
Cardiovascular phenotype. Identifiers: MedGen CN230736.

Submissions (3):

Labcorp Genetics (formerly Invitae), Labcorp
Classification: Pathogenic for Hereditary hemorrhagic telangiectasia. Last evaluated: 2025-11-10. Review status: criteria provided, single submitter. Criteria: Invitae Variant Classification Sherloc (09022015). Collection method: clinical testing. Allele origin: germline.
Comment: This sequence change creates a premature translational stop signal (p.Val504Trpfs*14) in the ENG gene. It is expected to result in an absent or disrupted protein product. Loss-of-function variants in ENG are known to be pathogenic (PMID: 15879500). This variant is not present in population databases (gnomAD no frequency). This premature translational stop signal has been observed in individual(s) with hereditary hemorrhagic telangiectasia (PMID: 21158752; internal data). ClinVar contains an entry for this variant (Variation ID: 565615). Algorithms developed to predict the effect of sequence changes on RNA splicing suggest that this variant may disrupt the consensus splice site. For these reasons, this variant has been classified as Pathogenic.

GeneDx
Classification: Pathogenic. Last evaluated: 2024-12-12. Review status: criteria provided, single submitter. Criteria: GeneDx Variant Classification Process June 2021. Collection method: clinical testing. Allele origin: germline. Affected: yes.
Comment: Frameshift variant predicted to result in protein truncation or nonsense mediated decay in a gene for which loss-of-function is a known mechanism of disease; Not observed at significant frequency in large population cohorts (gnomAD); This variant is associated with the following publications: (PMID: 21158752)

Ambry Genetics
Classification: Pathogenic for Cardiovascular phenotype. Last evaluated: 2017-07-10. Review status: criteria provided, single submitter. Criteria: Ambry Variant Classification Scheme 2023. Collection method: clinical testing. Allele origin: germline.
Comment: The c.1509delC pathogenic mutation, located in coding exon 12 of the ENG gene, results from a deletion of one nucleotide at nucleotide position 1509, causing a translational frameshift with a predicted alternate stop codon (p.V504Wfs*14). This pathogenic mutation was reported in one patient with hereditary hemorrhagic telangiectasia (McDonald J et al., Clin. Genet. 2011 Apr; 79(4):335-44). In addition to the clinical data presented in the literature, this alteration is expected to result in loss of function by premature protein truncation or nonsense-mediated mRNA decay. As such, this alteration is interpreted as a disease-causing mutation.

Literature cited by the submitters: PubMed 15879500 (cited by Labcorp Genetics (formerly Invitae), Labcorp); PubMed 21158752 (cited by Labcorp Genetics (formerly Invitae), Labcorp and Ambry Genetics).